The following is an entry in ClinVar:

NM_000368.5(TSC1):c.660_663+2del

Gene: TSC1 (TSC complex subunit 1; minus strand). Cytogenetic location: 9q34.13.
Variant type: Deletion.
Coding change: c.660_663+2del on transcript NM_000368.5 (MANE Select); coding-DNA position 660 through the canonical splice donor site of the intron after coding-DNA position 663, 6 bases deleted (CAAGGT; older notation c.660_663+2delCAAGGT).
Molecular consequence: splice donor variant.
Genome position (GRCh38, 1-based): chr9:132,921,817-132,921,822, ACCTTG deleted on the plus strand (CAAGGT on the coding strand, the reverse complement: TSC1 is on the minus strand); deleting any 6 consecutive bases within chr9:132,921,817-132,921,825 gives the same sequence; the c. name uses the placement nearest the transcript's 3' end. VCF-style (leftmost placement, unchanged base first): chr9-132921816-TACCTTG-T. GRCh37 (hg19) VCF-style: chr9-135797203-TACCTTG-T.
Other names: c.297_300+2del (NM_001362177.2); c.507_510+2del (NM_001162427.2); c.660_663+2del (NM_001162426.2).
Identifiers: ClinVar variation 2044639 (VCV002044639.4), dbSNP rs2539007585, ClinGen allele CA2580079985.

ClinVar aggregate classification (germline): Uncertain significance (1 of 4 stars; one submission).

Conditions:
Tuberous sclerosis 1 (TSC1). Identifiers: Orphanet 805, MedGen C1854465, MONDO:0008612, OMIM 191100.

Submission:

Labcorp Genetics (formerly Invitae), Labcorp
Classification: Uncertain significance for Tuberous sclerosis 1. Last evaluated: 2021-12-17. Review status: criteria provided, single submitter. Criteria: Invitae Variant Classification Sherloc (09022015). Collection method: clinical testing. Allele origin: germline.
Comment: In summary, the available evidence is currently insufficient to determine the role of this variant in disease. Therefore, it has been classified as a Variant of Uncertain Significance. RNA analysis performed to evaluate the impact of this variant on mRNA splicing indicates it does not significantly alter splicing (Invitae). Experimental studies and prediction algorithms are not available or were not evaluated, and the functional significance of this variant is currently unknown. This variant is also known as c.660_663+2del. This variant has not been reported in the literature in individuals affected with TSC1-related conditions. This variant is not present in population databases (gnomAD no frequency). This variant, c.658_663del , results in the deletion of 2 amino acid(s) of the TSC1 protein (p.Val220_Lys221del), but otherwise preserves the integrity of the reading frame.